The following is an entry in ClinVar:

ClinVar aggregate classification (germline): Uncertain significance (1 of 4 stars; one submission).

Submission:

Labcorp Genetics (formerly Invitae), Labcorp
Classification: Uncertain significance. Last evaluated: 2025-03-31. Review status: criteria provided, single submitter. Criteria: Invitae Variant Classification Sherloc (09022015). Collection method: clinical testing. Allele origin: germline.
Comment: This sequence change replaces lysine, which is basic and polar, with glutamic acid, which is acidic and polar, at codon 1251 of the CACNA1D protein (p.Lys1251Glu). This variant is not present in population databases (gnomAD no frequency). This variant has not been reported in the literature in individuals affected with CACNA1D-related conditions. ClinVar contains an entry for this variant (Variation ID: 1449005). Invitae Evidence Modeling of protein sequence and biophysical properties (such as structural, functional, and spatial information, amino acid conservation, physicochemical variation, residue mobility, and thermodynamic stability) indicates that this missense variant is not expected to disrupt CACNA1D protein function with a negative predictive value of 80%. In summary, the available evidence is currently insufficient to determine the role of this variant in disease. Therefore, it has been classified as a Variant of Uncertain Significance.

NM_001128840.3(CACNA1D):c.3691A>G (p.Lys1231Glu)

Gene: CACNA1D (calcium voltage-gated channel subunit alpha1 D; plus strand). Cytogenetic location: 3p21.1.
Variant type: single nucleotide variant.
Coding change: c.3691A>G on transcript NM_001128840.3 (MANE Select); coding-DNA position 3691, A replaced by G.
Protein change: p.Lys1231Glu; replaces lysine 1231 with glutamic acid.
Molecular consequence: missense variant.
Genome position (GRCh38, 1-based): chr3:53,753,587, A>G. VCF-style: chr3-53753587-A-G. GRCh37 (hg19) VCF-style: chr3-53787614-A-G.
Other names: c.3751A>G, p.Lys1251Glu (NM_000720.4); c.3691A>G, p.Lys1231Glu (NM_001128839.3); short protein forms K1251E, K1231E.
Identifiers: ClinVar variation 1449005 (VCV001449005.6), dbSNP rs2108891430, ClinGen allele CA353251518.